The following is an entry in ClinVar:

NM_033026.6(PCLO):c.10273G>A (p.Asp3425Asn)

Gene: PCLO (piccolo presynaptic cytomatrix protein; minus strand). Cytogenetic location: 7q21.11.
Variant type: single nucleotide variant.
Coding change: c.10273G>A on transcript NM_033026.6 (MANE Select); coding-DNA position 10273, G replaced by A.
Protein change: p.Asp3425Asn; replaces aspartic acid 3425 with asparagine.
Molecular consequence: missense variant.
Genome position (GRCh38, 1-based): chr7:82,950,315, C>T on the plus strand (G>A on the coding strand, the complement: PCLO is on the minus strand). VCF-style: chr7-82950315-C-T. GRCh37 (hg19) VCF-style: chr7-82579631-C-T.
Other names: c.10273G>A, p.Asp3425Asn (NM_014510.3); short protein forms D3425N.
Identifiers: ClinVar variation 3708006 (VCV003708006.2).

ClinVar aggregate classification (germline): Uncertain significance (1 of 4 stars; one submission).

gnomAD v4.1: 2 of 1,613,614 alleles (0.00012%); highest among the groups gnomAD compares: Admixed American, 0.0033%; no homozygotes.

Submission:

Labcorp Genetics (formerly Invitae), Labcorp
Classification: Uncertain significance. Last evaluated: 2024-02-09. Review status: criteria provided, single submitter. Criteria: Invitae Variant Classification Sherloc (09022015). Collection method: clinical testing. Allele origin: germline.
Comment: This sequence change replaces aspartic acid, which is acidic and polar, with asparagine, which is neutral and polar, at codon 3425 of the PCLO protein (p.Asp3425Asn). This variant is present in population databases (no rsID available, gnomAD 0.003%). This variant has not been reported in the literature in individuals affected with PCLO-related conditions. Experimental studies and prediction algorithms are not available or were not evaluated, and the functional significance of this variant is currently unknown. In summary, the available evidence is currently insufficient to determine the role of this variant in disease. Therefore, it has been classified as a Variant of Uncertain Significance.